The following is an entry in ClinVar:

NM_000181.4(GUSB):c.1740C>T (p.Tyr580=)

Gene: GUSB (glucuronidase beta; minus strand). Cytogenetic location: 7q11.21.
Variant type: single nucleotide variant.
Coding change: c.1740C>T on transcript NM_000181.4 (MANE Select); coding-DNA position 1740, C replaced by T.
Protein change: p.Tyr580=; no amino-acid change (tyrosine 580 retained).
Molecular consequence: synonymous variant. On other transcripts: non-coding transcript variant (1).
Genome position (GRCh38, 1-based): chr7:65,964,372, G>A on the plus strand (C>T on the coding strand, the complement: GUSB is on the minus strand). VCF-style: chr7-65964372-G-A. GRCh37 (hg19) VCF-style: chr7-65429359-G-A.
Other names: c.1170C>T, p.Tyr390= (NM_001293104.2); c.1083C>T, p.Tyr361= (NM_001293105.2); c.1302C>T, p.Tyr434= (NM_001284290.2).
Identifiers: ClinVar variation 92587 (VCV000092587.26), dbSNP rs1061361, ClinGen allele CA145851.

ClinVar aggregate classification (germline): Benign. Review status: criteria provided, multiple submitters, no conflicts (2 of 4 stars). 9 submissions from 9 submitters: Benign (8). 1 of the submissions does not count toward it. Last evaluated 2026-02-04.

Conditions:
Mucopolysaccharidosis type 7 (MPS7). Also called: BETA-GLUCURONIDASE DEFICIENCY; SLY SYNDROME; MPS VII; GUSB DEFICIENCY. Identifiers: Orphanet 584, MedGen C0085132, MONDO:0009662, OMIM 253220.

Allele frequency attached by ClinVar (database versions not stated): ESP Exome Variant Server 0.09806; gnomAD 0.10447 and 0.10871; gnomAD exomes 0.11085 and 0.13174; TOPMed 0.11672; ExAC 0.12886; 1000 Genomes Project 30x 0.14054; 1000 Genomes Project 0.14217.
gnomAD v4.1: 178,843 of 1,610,650 alleles (11%); highest among the groups gnomAD compares: Middle Eastern, 22%; 11,381 homozygotes.

Submissions (9):

Labcorp Genetics (formerly Invitae), Labcorp
Classification: Benign for Mucopolysaccharidosis type 7. Last evaluated: 2026-02-04. Review status: criteria provided, single submitter. Criteria: Invitae Variant Classification Sherloc (09022015). Collection method: clinical testing. Allele origin: germline.

Genome-Nilou Lab
Classification: Benign for Mucopolysaccharidosis type 7. Last evaluated: 2021-08-10. Review status: criteria provided, single submitter. Criteria: ACMG Guidelines, 2015. Collection method: clinical testing. Allele origin: germline. Affected: no.

GeneDx
Classification: Benign. Last evaluated: 2019-03-25. Review status: criteria provided, single submitter. Criteria: GeneDx Variant Classification Process June 2021. Collection method: clinical testing. Allele origin: germline. Affected: yes.

Women's Health and Genetics/Laboratory Corporation of America, LabCorp
Classification: Benign. Last evaluated: 2018-04-16. Review status: criteria provided, single submitter. Criteria: LabCorp Variant Classification Summary - May 2015. Collection method: clinical testing. Allele origin: germline.
Comment: Variant summary: GUSB c.1740C>T alters a non-conserved nucleotide resulting in a synonymous change. 5/5 in silico splicing program predict no significant changes to the splicing site. The variant allele was found at a frequency of 0.13 in 277156 control chromosomes in the gnomAD database, including 2752 homozygotes. The observed variant frequency is approximately 120 fold of the estimated maximal expected allele frequency for a pathogenic variant in GUSB causing Mucopolysaccharidosis Type VI (Sly Syndrome) phenotype (0.0011), strongly suggesting that the variant is benign. To our knowledge, no occurrence of c.1740C>T in individuals affected with Mucopolysaccharidosis Type VI (Sly Syndrome) and no experimental evidence demonstrating its impact on protein function have been reported. Multiple clinical diagnostic laboratories have submitted clinical-significance assessments for this variant to ClinVar without evidence for independent evaluation, and classified the variant as benign/likely benign. Based on the evidence outlined above, the variant was classified as benign.

Illumina Laboratory Services, Illumina
Classification: Benign for Mucopolysaccharidosis type 7. Last evaluated: 2018-01-12. Review status: criteria provided, single submitter. Criteria: ICSL Variant Classification Criteria 13 December 2019. Collection method: clinical testing. Allele origin: germline.
Comment: This variant was observed in the ICSL laboratory as part of a predisposition screen in an ostensibly healthy population. It had not been previously curated by ICSL or reported in the Human Gene Mutation Database (HGMD: prior to June 1st, 2018), and was therefore a candidate for classification through an automated scoring system. Utilizing variant allele frequency, disease prevalence and penetrance estimates, and inheritance mode, an automated score was calculated to assess if this variant is too frequent to cause the disease. Based on the score and internal cut-off values, a variant classified as benign is not then subjected to further curation. The score for this variant resulted in a classification of benign for this disease.

Eurofins Ntd Llc (ga)
Classification: Benign. Last evaluated: 2013-09-18. Review status: criteria provided, single submitter. Criteria: EGL Classification Definitions 2015. Collection method: clinical testing. Allele origin: germline. Observed: 7 variant alleles, 7 heterozygotes.

Breakthrough Genomics
Classification: Benign. Review status: criteria provided, single submitter. Criteria: ACMG Guidelines, 2015. Collection method: not provided. Allele origin: germline. Inheritance: Autosomal recessive inheritance. Affected: yes.

PreventionGenetics, part of Exact Sciences
Classification: Benign. Review status: criteria provided, single submitter. Criteria: ACMG Guidelines, 2015. Collection method: clinical testing. Allele origin: germline.

Mayo Clinic Laboratories, Mayo Clinic
Classification: Benign. Last evaluated: 2015-10-20. Review status: no assertion criteria provided. Collection method: clinical testing. Allele origin: unknown. Not counted in ClinVar's aggregate classification.